The following is an entry in ClinVar:

ClinVar aggregate classification (germline): Uncertain significance (1 of 4 stars; one submission).

Submission:

Labcorp Genetics (formerly Invitae), Labcorp
Classification: Uncertain significance. Last evaluated: 2024-07-24. Review status: criteria provided, single submitter. Criteria: Invitae Variant Classification Sherloc (09022015). Collection method: clinical testing. Allele origin: germline.
Comment: This sequence change replaces arginine, which is basic and polar, with proline, which is neutral and non-polar, at codon 837 of the COL11A2 protein (p.Arg837Pro). This variant is present in population databases (no rsID available, gnomAD 0.0009%). This variant has not been reported in the literature in individuals affected with COL11A2-related conditions. Advanced modeling of protein sequence and biophysical properties (such as structural, functional, and spatial information, amino acid conservation, physicochemical variation, residue mobility, and thermodynamic stability) performed at Invitae indicates that this missense variant is not expected to disrupt COL11A2 protein function with a negative predictive value of 95%. In summary, the available evidence is currently insufficient to determine the role of this variant in disease. Therefore, it has been classified as a Variant of Uncertain Significance.

NM_080680.3(COL11A2):c.2510G>C (p.Arg837Pro)

Gene: COL11A2 (collagen type XI alpha 2 chain; minus strand). Cytogenetic location: 6p21.32.
Variant type: single nucleotide variant.
Coding change: c.2510G>C on transcript NM_080680.3 (MANE Select); coding-DNA position 2510, G replaced by C.
Protein change: p.Arg837Pro; replaces arginine 837 with proline.
Molecular consequence: missense variant.
Genome position (GRCh38, 1-based): chr6:33,174,030, C>G on the plus strand (G>C on the coding strand, the complement: COL11A2 is on the minus strand). VCF-style: chr6-33174030-C-G. GRCh37 (hg19) VCF-style: chr6-33141807-C-G.
Other names: c.2330G>C, p.Arg777Pro (NM_001424108.1); c.1664G>C, p.Arg555Pro (NM_001424109.1); c.1484G>C, p.Arg495Pro (NM_001424110.1, NM_001424111.1); c.464G>C, p.Arg155Pro (NM_001424112.1); c.2189G>C, p.Arg730Pro (NM_080679.3); c.2252G>C, p.Arg751Pro (NM_080681.3); short protein forms R155P, R751P, R555P, R777P, R495P, R730P, R837P.
Identifiers: ClinVar variation 3700608 (VCV003700608.2).